The following is an entry in ClinVar:

ClinVar aggregate classification (germline): Uncertain significance (1 of 4 stars; one submission).

Conditions:
KSR2-related disorder. Also called: KSR2-related condition.

gnomAD v4.1: 14 of 1,613,566 alleles (0.00087%); highest among the groups gnomAD compares: South Asian, 0.0077%; 1 homozygote.

Submission:

PreventionGenetics, part of Exact Sciences
Classification: Uncertain significance for KSR2-related condition. Last evaluated: 2025-11-03. Review status: criteria provided, single submitter. Criteria: ACMG Guidelines, 2015. Collection method: clinical testing. Allele origin: germline.
Comment: The KSR2 c.1673G>A variant is predicted to result in the amino acid substitution p.Arg558Gln. This variant was previously reported in the heterozygous state in an individual with severe, early-onset obesity (Abu-Rub et al. 2024. PubMed ID: 39202327). This variant is reported in 0.0033% of alleles in individuals of South Asian descent in gnomAD. At this time, the clinical significance of this variant is uncertain due to the absence of conclusive functional and genetic evidence.

NM_173598.6(KSR2):c.1760G>A (p.Arg587Gln)

Gene: KSR2 (kinase suppressor of ras 2; minus strand). Cytogenetic location: 12q24.22.
Variant type: single nucleotide variant.
Coding change: c.1760G>A on transcript NM_173598.6 (MANE Select); coding-DNA position 1760, G replaced by A.
Protein change: p.Arg587Gln; replaces arginine 587 with glutamine.
Molecular consequence: missense variant.
Genome position (GRCh38, 1-based): chr12:117,530,983, C>T on the plus strand (G>A on the coding strand, the complement: KSR2 is on the minus strand). VCF-style: chr12-117530983-C-T. GRCh37 (hg19) VCF-style: chr12-117968788-C-T.
Other names: short protein forms R587Q.
Identifiers: ClinVar variation 3354103 (VCV003354103.2).
Genomic context (GRCh38, chr12:117,530,983, plus strand): 5'-TGTCTCTGTCTCACTTACATTGGATTCGAGGTCACCGGATGCAGGATGACCTGGGGCGCC[C>T]GGGTCGGCGTCTCCGGCACCGGCACCACATCTGAAAACCAGAGATTGAACACTCAGAAAA-3'
Protein context (NP_775869.4, residues 577-597): DVVPVPETPT[Arg587Gln]APQVILHPVT